The following is an entry in ClinVar:

NM_015346.4(ZFYVE26):c.520C>G (p.Leu174Val)

Gene: ZFYVE26 (zinc finger FYVE-type containing 26; minus strand). Cytogenetic location: 14q24.1.
Variant type: single nucleotide variant.
Coding change: c.520C>G on transcript NM_015346.4 (MANE Select); coding-DNA position 520, C replaced by G.
Protein change: p.Leu174Val; replaces leucine 174 with valine.
Molecular consequence: missense variant.
Genome position (GRCh38, 1-based): chr14:67,807,764, G>C on the plus strand (C>G on the coding strand, the complement: ZFYVE26 is on the minus strand). VCF-style: chr14-67807764-G-C. GRCh37 (hg19) VCF-style: chr14-68274481-G-C.
Other names: short protein forms L174V.
Identifiers: ClinVar variation 952614 (VCV000952614.7), dbSNP rs767276252, ClinGen allele CA7240774.

ClinVar aggregate classification (germline): Uncertain significance. Review status: criteria provided, multiple submitters, no conflicts (2 of 4 stars). 2 submissions from 2 submitters: Uncertain significance (2). Last evaluated 2025-04-03.

Conditions:
Spastic paraplegia. Identifiers: MedGen C0037772, HP:0001258.
Inborn genetic diseases. Identifiers: MedGen C0950123, MeSH D030342.

Allele frequency attached by ClinVar (database versions not stated): TOPMed 0.00003; gnomAD exomes 0.00007 and 0.00003; gnomAD 0.00001; ExAC 0.00008.
gnomAD v4.1: 44 of 1,614,092 alleles (0.0027%); highest among the groups gnomAD compares: Admixed American, 0.005%; no homozygotes.

Submissions (2):

Ambry Genetics
Classification: Uncertain significance for Inborn genetic diseases. Last evaluated: 2025-04-03. Review status: criteria provided, single submitter. Criteria: Ambry Variant Classification Scheme 2023. Collection method: clinical testing. Allele origin: germline.

Labcorp Genetics (formerly Invitae), Labcorp
Classification: Uncertain significance for Spastic paraplegia. Last evaluated: 2022-08-13. Review status: criteria provided, single submitter. Criteria: Invitae Variant Classification Sherloc (09022015). Collection method: clinical testing. Allele origin: germline.
Comment: This sequence change replaces leucine, which is neutral and non-polar, with valine, which is neutral and non-polar, at codon 174 of the ZFYVE26 protein (p.Leu174Val). This variant is present in population databases (rs767276252, gnomAD 0.01%). This variant has not been reported in the literature in individuals affected with ZFYVE26-related conditions. ClinVar contains an entry for this variant (Variation ID: 952614). Algorithms developed to predict the effect of missense changes on protein structure and function are either unavailable or do not agree on the potential impact of this missense change (SIFT: "Tolerated"; PolyPhen-2: "Possibly Damaging"; Align-GVGD: "Class C0"). In summary, the available evidence is currently insufficient to determine the role of this variant in disease. Therefore, it has been classified as a Variant of Uncertain Significance.